The following is an entry in ClinVar:

ClinVar aggregate classification (germline): Likely benign. Review status: criteria provided, multiple submitters, no conflicts (2 of 4 stars). 2 submissions from 2 submitters: Likely benign (2). Last evaluated 2026-02-24.

Conditions:
Neuropathy, hereditary sensory and autonomic, type 2A (HSAN2A). Also called: MORVAN DISEASE; WNK1-Related HSAN2 (HSAN2A); ACROOSTEOLYSIS, GIACCAI TYPE; ACROOSTEOLYSIS, NEUROGENIC; HSAN IIA; NEUROPATHY, CONGENITAL SENSORY. Identifiers: Orphanet 970, MedGen C2752089, MONDO:0024309, OMIM 201300.
Pseudohypoaldosteronism type 2C (PHA2C). Also called: Pseudohypoaldosteronism Type IIC. Identifiers: Orphanet 757, Orphanet 88940, MedGen C1840391, MONDO:0013778, OMIM 614492.
WNK1-related disorder. Also called: WNK1-related condition.

Allele frequency attached by ClinVar (database versions not stated): gnomAD 0.00001; TOPMed 0.00004; gnomAD exomes 0.00011 and 0.00025; 1000 Genomes Project 0.00020; ExAC 0.00020; 1000 Genomes Project 30x 0.00031.
gnomAD v4.1: 68 of 1,614,106 alleles (0.0042%); highest among the groups gnomAD compares: Admixed American, 0.11%; no homozygotes.

Submissions (2):

PreventionGenetics, part of Exact Sciences
Classification: Likely benign for WNK1-related condition. Last evaluated: 2026-02-24. Review status: criteria provided, single submitter. Criteria: ACMG Guidelines, 2015. Collection method: clinical testing. Allele origin: germline.
Comment: This variant is classified as likely benign based on ACMG/AMP sequence variant interpretation guidelines (Richards et al. 2015 PMID: 25741868, with internal and published modifications).

Labcorp Genetics (formerly Invitae), Labcorp
Classification: Likely benign for Neuropathy, hereditary sensory and autonomic, type 2A; Pseudohypoaldosteronism type 2C. Last evaluated: 2025-12-19. Review status: criteria provided, single submitter. Criteria: Invitae Variant Classification Sherloc (09022015). Collection method: clinical testing. Allele origin: germline.

NM_018979.4(WNK1):c.3316G>C (p.Val1106Leu)

Gene: WNK1 (WNK lysine deficient protein kinase 1; plus strand). Cytogenetic location: 12p13.33.
Variant type: single nucleotide variant.
Coding change: c.3316G>C on transcript NM_018979.4 (MANE Select); coding-DNA position 3316, G replaced by C.
Protein change: p.Val1106Leu; replaces valine 1106 with leucine.
Molecular consequence: missense variant.
Genome position (GRCh38, 1-based): chr12:882,017, G>C. VCF-style: chr12-882017-G-C. GRCh37 (hg19) VCF-style: chr12-991183-G-C.
Other names: c.4096G>C, p.Val1366Leu (NM_001184985.2); c.2575G>C, p.Val859Leu (NM_014823.3); c.4072G>C, p.Val1358Leu (NM_213655.5); c.3316G>C (NM_018979.3); short protein forms V1106L, V1358L, V1366L, V859L.
Identifiers: ClinVar variation 1093690 (VCV001093690.10), dbSNP rs199611881, ClinGen allele CA6382740.
Genomic context (GRCh38, chr12:882,017, plus strand): 5'-GTCCCATCTTCCAGTGGAAGGCATGAAGGAAGAACTACAAAACGGCATTACCGAAAATCT[G>C]TAAGGAGTCGCTCTCGACATGAAAAAACTTCACGCCCAAAATTAAGAATTTTGAATGTAA-3'
Protein context (NP_061852.3, residues 1096-1116): RTTKRHYRKS[Val1106Leu]RSRSRHEKTS